The following is an entry in ClinVar:

ClinVar aggregate classification (germline): Likely pathogenic (1 of 4 stars; one submission).

Conditions:
Malignant hyperthermia, susceptibility to, 1 (MHS1). Also called: Anesthesia related hyperthermia; Malignant hyperpyrexia; Fulminating hyperpyrexia; Pharmacogenic myopathy; Malignant hyperthermia suceptibility 1; RYR1-Related Malignant Hyperthermia Susceptibility. Identifiers: Orphanet 423, MedGen C2930980, MONDO:0007783, OMIM 145600.

Submission:

Institute of Human Genetics, University of Leipzig Medical Center
Classification: Likely pathogenic for Malignant hyperthermia, susceptibility to, 1. Last evaluated: 2022-05-27. Review status: criteria provided, single submitter. Criteria: ACMG Guidelines, 2015. Collection method: clinical testing. Allele origin: unknown. Affected: yes.
Comment: _x000D_ Criteria applied: PM5, PP3_MOD, PM1_SUP, PM2_SUP

NM_000540.3(RYR1):c.1421A>T (p.Gln474Leu)

Gene: RYR1 (ryanodine receptor 1; plus strand). Cytogenetic location: 19q13.2.
Variant type: single nucleotide variant.
Coding change: c.1421A>T on transcript NM_000540.3 (MANE Select); coding-DNA position 1421, A replaced by T.
Protein change: p.Gln474Leu; replaces glutamine 474 with leucine.
Molecular consequence: missense variant.
Genome position (GRCh38, 1-based): chr19:38,452,995, A>T. VCF-style: chr19-38452995-A-T. GRCh37 (hg19) VCF-style: chr19-38943635-A-T.
Other names: c.1421A>T, p.Gln474Leu (NM_001042723.2); short protein forms Q474L.
Identifiers: ClinVar variation 1691866 (VCV001691866.1), dbSNP rs2145381188, ClinGen allele CA405686742.